The following is an entry in ClinVar:

ClinVar aggregate classification (germline): Pathogenic/Likely pathogenic. Review status: criteria provided, multiple submitters, no conflicts (2 of 4 stars). 2 submissions from 2 submitters: Pathogenic (1); Likely pathogenic (1). Last evaluated 2024-12-27.

Conditions:
Neurofibromatosis, type 1 (NF1). Also called: Neurofibromatosis, type I; VON RECKLINGHAUSEN DISEASE; NEUROFIBROMATOSIS, TYPE I, SOMATIC; Peripheral type neurofibromatosis. Identifiers: Orphanet 636, MedGen C0027831, MONDO:0018975, OMIM 162200. Disease mechanism: loss of function.

Submissions (2):

Quest Diagnostics Nichols Institute San Juan Capistrano
Classification: Pathogenic. Last evaluated: 2024-12-27. Review status: criteria provided, single submitter. Criteria: Quest Diagnostics criteria. Collection method: clinical testing. Allele origin: unknown.
Comment: The NF1 c.3196del (p.Arg1066Glufs*11) variant alters the translational reading frame of the NF1 mRNA and causes the premature termination of NF1 protein synthesis. This variant has not been reported in individuals with NF1-related conditions in the published literature. This variant has not been reported in large, multi-ethnic general populations (Genome Aggregation Database). Based on the available information, this variant is classified as pathogenic.

Genome Diagnostics Laboratory, The Hospital for Sick Children
Classification: Likely pathogenic for Neurofibromatosis, type 1. Last evaluated: 2020-10-26. Review status: criteria provided, single submitter. Criteria: ACMG Guidelines, 2015. Collection method: clinical testing. Allele origin: germline. Affected: yes.

NM_001042492.3(NF1):c.3196del (p.Arg1066fs)

Gene: NF1 (neurofibromin 1; plus strand). Cytogenetic location: 17q11.2.
Variant type: Deletion.
Coding change: c.3196del on transcript NM_001042492.3 (MANE Select); coding-DNA position 3196, one base deleted (A; older notation c.3196delA).
Protein change: p.Arg1066fs; shifts the reading frame from arginine 1066.
Molecular consequence: frameshift variant.
Genome position (GRCh38, 1-based): chr17:31,230,924, A deleted; the last of 2 consecutive A bases (chr17:31,230,923-31,230,924); deleting either gives the same sequence. VCF-style (leftmost placement, unchanged base first): chr17-31230922-CA-C. GRCh37 (hg19) VCF-style: chr17-29557940-CA-C.
Other names: c.3196delA (NM_000267.3); c.3196delA, p.Arg1066Glufs (NM_000267.4); short protein forms R1066fs.
Identifiers: ClinVar variation 996447 (VCV000996447.4), dbSNP rs2067102964, ClinGen allele CA2255567798.
Genomic context (GRCh38, chr17:31,230,922, plus strand): 5'-TGACAGACTGGGTTATGGGAACATCAAACCAAGCAGCAGATGATGATGTAAAATGTCTTA[CA>C]AGGTAAAAAAAGAATGACCTTCAAGTATTAGTGGGTTTTACTGTGAGAGTTATAACTACT-3'